The following is an entry in ClinVar:

NM_000179.3(MSH6):c.2980T>A (p.Tyr994Asn)

Gene: MSH6 (mutS homolog 6; plus strand). Cytogenetic location: 2p16.3.
Variant type: single nucleotide variant.
Coding change: c.2980T>A on transcript NM_000179.3 (MANE Select); coding-DNA position 2980, T replaced by A.
Protein change: p.Tyr994Asn; replaces tyrosine 994 with asparagine.
Molecular consequence: missense variant.
Genome position (GRCh38, 1-based): chr2:47,800,963, T>A. VCF-style: chr2-47800963-T-A. GRCh37 (hg19) VCF-style: chr2-48028102-T-A.
Other names: c.2590T>A, p.Tyr864Asn (NM_001281492.2); c.2074T>A, p.Tyr692Asn (NM_001281493.2, NM_001281494.2, NM_001406811.1 and 6 more transcripts); c.3076T>A, p.Tyr1026Asn (NM_001406795.1, NM_001406802.1); c.2980T>A, p.Tyr994Asn (NM_001406796.1, NM_001406798.1, NM_001406800.1 and 2 more transcripts); c.2683T>A, p.Tyr895Asn (NM_001406797.1, NM_001406801.1, NM_001406805.1 and 10 more transcripts); c.2455T>A, p.Tyr819Asn (NM_001406799.1, NM_001406806.1, NM_001406807.1); c.2902T>A, p.Tyr968Asn (NM_001406804.1); c.2986T>A, p.Tyr996Asn (NM_001406813.1); and 2 more; short protein forms Y309N, Y994N, Y996N, Y1026N, Y692N, Y819N, Y864N, Y938N.
Identifiers: ClinVar variation 1798402 (VCV001798402.2), dbSNP rs373622047, ClinGen allele CA346756356.

ClinVar aggregate classification (germline): Uncertain significance (1 of 4 stars; one submission).

Conditions:
Hereditary cancer-predisposing syndrome. Also called: Neoplastic Syndromes, Hereditary; Tumor predisposition; Hereditary Cancer Syndrome; Hereditary neoplastic syndrome. Identifiers: Orphanet 140162, MedGen C0027672, MeSH D009386, MONDO:0015356.

Submission:

Ambry Genetics
Classification: Uncertain significance for Hereditary cancer-predisposing syndrome. Last evaluated: 2018-08-30. Review status: criteria provided, single submitter. Criteria: Ambry Variant Classification Scheme 2023. Collection method: clinical testing. Allele origin: germline.
Comment: The p.Y994N variant (also known as c.2980T>A), located in coding exon 4 of the MSH6 gene, results from a T to A substitution at nucleotide position 2980. The tyrosine at codon 994 is replaced by asparagine, an amino acid with dissimilar properties. This alteration was identified along with a frameshift mutation in MSH6 (c.2238dupT) in a child reported to have constitutional mismatch repair deficiency (CMMRD) who was diagnosed with caf&eacute; This amino acid position is highly conserved in available vertebrate species. In addition, this alteration is predicted to be deleterious by in silico analysis. In addition, the CoDP in silico tool predicts this alteration to likely impair molecular function, with a score of 0.985 (Terui H et al. J. Biomed. Sci. 2013 Apr;20:25). Since supporting evidence is limited at this time, the clinical significance of this alteration remains unclear.

Literature cited by the submitters: PubMed 30013564.